The following is an entry in ClinVar:

ClinVar aggregate classification (germline): Conflicting classifications of pathogenicity. Review status: criteria provided, conflicting classifications (1 of 4 stars). 5 submissions from 4 submitters: Uncertain significance (4); Benign (1). Last evaluated 2026-01-25.

Conditions:
Aortic valve disease 1 (AOVD1). Identifiers: MedGen C3887892, MONDO:0024523, OMIM 109730.
Adams-Oliver syndrome 5 (AOS5). Identifiers: Orphanet 974, MedGen C4014970, MONDO:0014459, OMIM 616028.
Familial thoracic aortic aneurysm and aortic dissection (TAAD). Also called: Thoracic aortic aneurysms and dissections. Identifiers: Orphanet 91387, MedGen C4707243, MONDO:0019625.

Allele frequency attached by ClinVar (database versions not stated): gnomAD exomes 0.00003; ExAC 0.00005; TOPMed 0.00009; gnomAD 0.00010.
gnomAD v4.1: 51 of 1,607,084 alleles (0.0032%); highest among the groups gnomAD compares: African/African-American, 0.02%; no homozygotes.

Submissions (5):

Labcorp Genetics (formerly Invitae), Labcorp
Classification: Benign for Adams-Oliver syndrome 5. Last evaluated: 2026-01-25. Review status: criteria provided, single submitter. Criteria: Invitae Variant Classification Sherloc (09022015). Collection method: clinical testing. Allele origin: germline.

Ambry Genetics
Classification: Uncertain significance for Familial thoracic aortic aneurysm and aortic dissection. Last evaluated: 2024-10-08. Review status: criteria provided, single submitter. Criteria: Ambry Variant Classification Scheme 2023. Collection method: clinical testing. Allele origin: germline.
Comment: The p.G1513S variant (also known as c.4537G>A), located in coding exon 25 of the NOTCH1 gene, results from a G to A substitution at nucleotide position 4537. The glycine at codon 1513 is replaced by serine, an amino acid with similar properties. This amino acid position is conserved. In addition, this alteration is predicted to be tolerated by in silico analysis. Since supporting evidence is limited at this time, the clinical significance of this alteration remains unclear.

GeneDx
Classification: Uncertain significance. Last evaluated: 2023-09-26. Review status: criteria provided, single submitter. Criteria: GeneDx Variant Classification Process June 2021. Collection method: clinical testing. Allele origin: germline. Affected: yes.
Comment: Has not been previously published as pathogenic or benign to our knowledge; In silico analysis supports that this missense variant does not alter protein structure/function

Genome-Nilou Lab
Classification: Uncertain significance for Adams-Oliver syndrome 5. Last evaluated: 2022-03-15. Review status: criteria provided, single submitter. Criteria: ACMG Guidelines, 2015. Collection method: clinical testing. Allele origin: germline. Affected: no.

Genome-Nilou Lab
Classification: Uncertain significance for Aortic valve disease 1. Last evaluated: 2022-03-15. Review status: criteria provided, single submitter. Criteria: ACMG Guidelines, 2015. Collection method: clinical testing. Allele origin: germline. Affected: no.

NM_017617.5(NOTCH1):c.4537G>A (p.Gly1513Ser)

Gene: NOTCH1 (notch receptor 1; minus strand). Cytogenetic location: 9q34.3.
Variant type: single nucleotide variant.
Coding change: c.4537G>A on transcript NM_017617.5 (MANE Select); coding-DNA position 4537, G replaced by A.
Protein change: p.Gly1513Ser; replaces glycine 1513 with serine.
Molecular consequence: missense variant.
Genome position (GRCh38, 1-based): chr9:136,505,359, C>T on the plus strand (G>A on the coding strand, the complement: NOTCH1 is on the minus strand). VCF-style: chr9-136505359-C-T. GRCh37 (hg19) VCF-style: chr9-139399811-C-T.
Other names: short protein forms G1513S.
Identifiers: ClinVar variation 1054160 (VCV001054160.16), dbSNP rs765844768, ClinGen allele CA5340600.